The following is an entry in ClinVar:

NM_177438.3(DICER1):c.876A>G (p.Glu292=)

Gene: DICER1 (dicer 1, ribonuclease III; minus strand). Cytogenetic location: 14q32.13.
Variant type: single nucleotide variant.
Coding change: c.876A>G on transcript NM_177438.3 (MANE Select); coding-DNA position 876, A replaced by G.
Protein change: p.Glu292=; no amino-acid change (glutamic acid 292 retained).
Molecular consequence: synonymous variant.
Genome position (GRCh38, 1-based): chr14:95,126,607, T>C on the plus strand (A>G on the coding strand, the complement: DICER1 is on the minus strand). VCF-style: chr14-95126607-T-C. GRCh37 (hg19) VCF-style: chr14-95592944-T-C.
Other names: c.876A>G, p.Glu292= (NM_001195573.1, NM_001271282.3, NM_001291628.2 and 1 more transcripts).
Identifiers: ClinVar variation 716719 (VCV000716719.17), dbSNP rs1595447599, ClinGen allele CA487633527.

ClinVar aggregate classification (germline): Benign/Likely benign. Review status: criteria provided, multiple submitters, no conflicts (2 of 4 stars). 3 submissions from 3 submitters: Benign (1); Likely benign (2). Last evaluated 2026-04-15.

Conditions:
DICER1-related tumor predisposition. Also called: DICER1-related pleuropulmonary blastoma cancer predisposition syndrome; DICER1 syndrome. Identifiers: Orphanet 284343, MedGen C3839822, MONDO:0100216.
Hereditary cancer-predisposing syndrome. Also called: Hereditary Cancer Syndrome; Hereditary neoplastic syndrome; Neoplastic Syndromes, Hereditary; Tumor predisposition. Identifiers: Orphanet 140162, MedGen C0027672, MeSH D009386, MONDO:0015356.

Submissions (3):

Myriad Genetics, Inc.
Classification: Benign for DICER1-related tumor predisposition. Last evaluated: 2026-04-15. Review status: criteria provided, single submitter. Criteria: Myriad Autosomal Dominant, Autosomal Recessive and X-Linked Classification Criteria (2023). Collection method: clinical testing. Allele origin: unknown.
Comment: This variant is considered benign. This variant is a silent/synonymous amino acid change and it is not expected to impact splicing.

Labcorp Genetics (formerly Invitae), Labcorp
Classification: Likely benign for DICER1-related tumor predisposition. Last evaluated: 2025-05-05. Review status: criteria provided, single submitter. Criteria: Invitae Variant Classification Sherloc (09022015). Collection method: clinical testing. Allele origin: germline.

Ambry Genetics
Classification: Likely benign for Hereditary cancer-predisposing syndrome. Last evaluated: 2018-10-29. Review status: criteria provided, single submitter. Criteria: Ambry Variant Classification Scheme 2023. Collection method: clinical testing. Allele origin: germline.